The following is an entry in ClinVar:

NM_001009944.3(PKD1):c.8780C>T (p.Thr2927Met)

Gene: PKD1 (polycystin 1, transient receptor potential channel interacting; minus strand). Cytogenetic location: 16p13.3.
Variant type: single nucleotide variant.
Coding change: c.8780C>T on transcript NM_001009944.3 (MANE Select); coding-DNA position 8780, C replaced by T.
Protein change: p.Thr2927Met; replaces threonine 2927 with methionine.
Molecular consequence: missense variant.
Genome position (GRCh38, 1-based): chr16:2,103,277, G>A on the plus strand (C>T on the coding strand, the complement: PKD1 is on the minus strand). VCF-style: chr16-2103277-G-A. GRCh37 (hg19) VCF-style: chr16-2153278-G-A.
Other names: c.8780C>T, p.Thr2927Met (NM_000296.4); c.8780C>T (NM_001009944.2); short protein forms T2927M.
Identifiers: ClinVar variation 811768 (VCV000811768.16), dbSNP rs544100161, ClinGen allele CA7830390.

ClinVar aggregate classification (germline): Conflicting classifications of pathogenicity. Review status: criteria provided, conflicting classifications (1 of 4 stars). 6 submissions from 6 submitters: Uncertain significance (1); Likely benign (5). Last evaluated 2026-06-01.

Conditions:
PKD1-related disorder. Also called: PKD1-related condition.
Polycystic kidney disease, adult type (PKD1). Also called: Polycystic Kidney Disease 1, Autosomal Dominant; Polycystic kidney disease 1; Polycystic kidney disease 1, severe; POLYCYSTIC KIDNEY DISEASE, ADULT, TYPE I; Polycystic Kidney, Autosomal Dominant; POLYCYSTIC KIDNEY DISEASE 1 WITH OR WITHOUT POLYCYSTIC LIVER DISEASE. Identifiers: MedGen C3149841, MONDO:0008263, OMIM 173900.

Allele frequency attached by ClinVar (database versions not stated): ExAC 0.00014; gnomAD exomes 0.00016 and 0.00011; TOPMed 0.00005; gnomAD 0.00006.
gnomAD v4.1: 237 of 1,609,618 alleles (0.015%); highest among the groups gnomAD compares: East Asian, 0.38%; 1 homozygote.

Submissions (6):

CeGaT Center for Human Genetics Tuebingen
Classification: Likely benign. Last evaluated: 2026-06-01. Review status: criteria provided, single submitter. Criteria: CeGaT Center For Human Genetics Tuebingen Variant Classification Criteria Version 2. Collection method: clinical testing. Allele origin: germline. Affected: yes. Observed: 1 variant allele.
Comment: PKD1: BP4

PreventionGenetics, part of Exact Sciences
Classification: Likely benign for PKD1-related condition. Last evaluated: 2026-05-26. Review status: criteria provided, single submitter. Criteria: ACMG Guidelines, 2015. Collection method: clinical testing. Allele origin: germline.
Comment: This variant is classified as likely benign based on ACMG/AMP sequence variant interpretation guidelines (Richards et al. 2015 PMID: 25741868, with internal and published modifications).

Women's Health and Genetics/Laboratory Corporation of America, LabCorp
Classification: Uncertain significance. Last evaluated: 2026-01-17. Review status: criteria provided, single submitter. Criteria: LabCorp Variant Classification Summary - May 2015. Collection method: clinical testing. Allele origin: germline.
Comment: Variant summary: PKD1 c.8780C>T (p.Thr2927Met) results in a non-conservative amino acid change in the encoded protein sequence. Algorithms developed to predict the effect of missense changes on protein structure and function are either unavailable or do not agree on the potential impact of this missense change. The variant allele was found at a frequency of 0.00011 in 242750 control chromosomes. This frequency is not significantly higher than estimated for disease-causing variants in PKD1, allowing no conclusion about variant significance.c.8780C>T has been reported in the literature in heterozygous or presumed compound heterozygous individuals affected with Polycystic Kidney Disease (example: Jin_2016, Fujimaru_2018) or intracranial aneurysms without kidney disease (Hirota_2016). These report(s) do not provide unequivocal conclusions about association of the variant with PKD1-Biallelic Autosomal Recessive Polycystic Kidney Disease. To our knowledge, no experimental evidence demonstrating an impact on protein function has been reported. The following publications have been ascertained in the context of this evaluation (PMID: 29520754, 27567292, 27782177, 27835667). ClinVar contains an entry for this variant (Variation ID: 811768). Based on the evidence outlined above, the variant was classified as uncertain significance.

Department of Pathology and Laboratory Medicine, Sinai Health System
Classification: Likely benign for Polycystic kidney disease, adult type. Last evaluated: 2023-07-18. Review status: criteria provided, single submitter. Criteria: ACMG Guidelines, 2015. Collection method: clinical testing. Allele origin: germline. Affected: yes.

Fulgent Genetics
Classification: Likely benign for Polycystic kidney disease, adult type. Last evaluated: 2021-11-11. Review status: criteria provided, single submitter. Criteria: ACMG Guidelines, 2015. Collection method: clinical testing. Allele origin: unknown.

ARUP Laboratories, Molecular Genetics and Genomics, ARUP Laboratories
Classification: Likely benign for Polycystic kidney disease, adult type. Last evaluated: 2018-10-31. Review status: criteria provided, single submitter. Criteria: ARUP Molecular Germline Variant Investigation Process. Collection method: clinical testing. Allele origin: germline.

Literature cited by the submitters: PubMed 29520754 (cited by Women's Health and Genetics/Laboratory Corporation of America, LabCorp); PubMed 27567292 (cited by Women's Health and Genetics/Laboratory Corporation of America, LabCorp and Department of Pathology and Laboratory Medicine, Sinai Health System); PubMed 27782177 (cited by Women's Health and Genetics/Laboratory Corporation of America, LabCorp); PubMed 27835667 (cited by Women's Health and Genetics/Laboratory Corporation of America, LabCorp).